The following is an entry in ClinVar:

ClinVar aggregate classification (germline): Uncertain significance (1 of 4 stars; one submission).

Conditions:
Developmental and epileptic encephalopathy, 31A. Also called: Epileptic encephalopathy, early infantile, 31; Developmental and epileptic encephalopathy, 31. Identifiers: Orphanet 2382, MedGen C4225357, MONDO:0014598, OMIM 616346.

Allele frequency attached by ClinVar (database versions not stated): gnomAD 0.00001; gnomAD exomes 0.00001.
gnomAD v4.1: 3 of 1,550,318 alleles (0.00019%); highest among the groups gnomAD compares: Admixed American, 0.0038%; no homozygotes.

Submission:

Labcorp Genetics (formerly Invitae), Labcorp
Classification: Uncertain significance for Developmental and epileptic encephalopathy, 31A. Last evaluated: 2026-01-26. Review status: criteria provided, single submitter. Criteria: Invitae Variant Classification Sherloc (09022015). Collection method: clinical testing. Allele origin: germline.
Comment: This sequence change replaces alanine, which is neutral and non-polar, with serine, which is neutral and polar, at codon 35 of the DNM1 protein (p.Ala35Ser). The frequency data for this variant in the population databases is considered unreliable, as metrics indicate poor data quality at this position in the gnomAD database. This variant has not been reported in the literature in individuals affected with DNM1-related conditions. ClinVar contains an entry for this variant (Variation ID: 574393). Invitae Evidence Modeling of protein sequence and biophysical properties (such as structural, functional, and spatial information, amino acid conservation, physicochemical variation, residue mobility, and thermodynamic stability) indicates that this missense variant is expected to disrupt DNM1 protein function with a positive predictive value of 80%. In summary, the available evidence is currently insufficient to determine the role of this variant in disease. Therefore, it has been classified as a Variant of Uncertain Significance.

NM_004408.4(DNM1):c.103G>T (p.Ala35Ser)

Genes: CIZ1 (CDKN1A interacting zinc finger protein 1; minus strand), DNM1 (dynamin 1; plus strand). Cytogenetic location: 9q34.11.
Variant type: single nucleotide variant.
Coding change: c.103G>T on transcript NM_004408.4 (MANE Select); coding-DNA position 103, G replaced by T.
Protein change: p.Ala35Ser; replaces alanine 35 with serine.
Molecular consequence: missense variant. On other transcripts: intron variant (2).
Genome position (GRCh38, 1-based): chr9:128,203,573, G>T. VCF-style: chr9-128203573-G-T. GRCh37 (hg19) VCF-style: chr9-130965852-G-T.
Other names: c.103G>T, p.Ala35Ser (NM_001005336.3, NM_001288737.2, NM_001288738.2 and 2 more transcripts); c.-6+613C>A (NM_001131015.2, NM_012127.3); short protein forms A35S.
Identifiers: ClinVar variation 574393 (VCV000574393.9), dbSNP rs1404767209, ClinGen allele CA375006603.